The following is an entry in ClinVar:

ClinVar aggregate classification (germline): Conflicting classifications of pathogenicity. Review status: criteria provided, conflicting classifications (1 of 4 stars). 6 submissions from 6 submitters: Uncertain significance (1); Benign (1); Likely benign (2). 2 of the submissions do not count toward it. Last evaluated 2026-03-26.

Conditions:
Occult macular dystrophy (OCMD). Also called: OMD; OCCULT MACULAR DYSTROPHY, SUSCEPTIBILITY TO. Identifiers: Orphanet 247834, MedGen C3150833, MONDO:0013316, OMIM 613587, HP:0030636.
RP1L1-related disorder. Also called: RP1L1-related condition.

Allele frequency attached by ClinVar (database versions not stated): ESP Exome Variant Server 0.00057; gnomAD 0.00079 and 0.00080; 1000 Genomes Project 0.00080; TOPMed 0.00082; 1000 Genomes Project 30x 0.00109.
gnomAD v4.1: 1,322 of 1,613,896 alleles (0.082%); highest among the groups gnomAD compares: Admixed American, 0.1%; 1 homozygote.

Submissions (6):

PreventionGenetics, part of Exact Sciences
Classification: Uncertain significance for RP1L1-related condition. Last evaluated: 2026-03-26. Review status: criteria provided, single submitter. Criteria: ACMG Guidelines, 2015. Collection method: clinical testing. Allele origin: germline.
Comment: The RP1L1 c.2154C>A variant is predicted to result in the amino acid substitution p.Asn718Lys. To our knowledge, this variant has not been reported in the literature. This variant is reported in 0.075% of alleles in individuals of European (Non-Finnish) descent in gnomAD, which may be too frequent to be a primary cause of disease. Although we suspect that this variant may be benign, at this time, the clinical significance of this variant is uncertain due to the absence of conclusive functional and genetic evidence.

CeGaT Center for Human Genetics Tuebingen
Classification: Likely benign. Last evaluated: 2024-12-01. Review status: criteria provided, single submitter. Criteria: CeGaT Center For Human Genetics Tuebingen Variant Classification Criteria Version 2. Collection method: clinical testing. Allele origin: germline. Affected: yes. Observed: 1 variant allele.
Comment: RP1L1: BP4

Blueprint Genetics
Classification: Likely benign. Last evaluated: 2024-11-20. Review status: criteria provided, single submitter. Criteria: ACMG Guidelines, 2015. Collection method: clinical testing. Allele origin: germline.

Illumina Laboratory Services, Illumina
Classification: Benign for Occult macular dystrophy. Last evaluated: 2018-01-12. Review status: criteria provided, single submitter. Criteria: ICSL Variant Classification Criteria 13 December 2019. Collection method: clinical testing. Allele origin: germline.
Comment: This variant was observed in the ICSL laboratory as part of a predisposition screen in an ostensibly healthy population. It had not been previously curated by ICSL or reported in the Human Gene Mutation Database (HGMD: prior to June 1st, 2018), and was therefore a candidate for classification through an automated scoring system. Utilizing variant allele frequency, disease prevalence and penetrance estimates, and inheritance mode, an automated score was calculated to assess if this variant is too frequent to cause the disease. Based on the score and internal cut-off values, a variant classified as benign is not then subjected to further curation. The score for this variant resulted in a classification of benign for this disease.

Clinical Genetics DNA and cytogenetics Diagnostics Lab, Erasmus MC, Erasmus Medical Center
Classification: Likely benign. Review status: no assertion criteria provided. Collection method: clinical testing. Allele origin: germline. Affected: yes. Study: VKGL Data-share Consensus. Not counted in ClinVar's aggregate classification.

Laboratory of Diagnostic Genome Analysis, Leiden University Medical Center (LUMC)
Classification: Likely benign. Review status: no assertion criteria provided. Collection method: clinical testing. Allele origin: germline. Affected: yes. Study: VKGL Data-share Consensus. Not counted in ClinVar's aggregate classification.

NM_178857.6(RP1L1):c.2154C>A (p.Asn718Lys)

Gene: RP1L1 (RP1 like 1). Cytogenetic location: 8p23.1.
Variant type: single nucleotide variant.
Coding change: c.2154C>A on transcript NM_178857.6 (MANE Select); coding-DNA position 2154, C replaced by A.
Protein change: p.Asn718Lys; replaces asparagine 718 with lysine.
Molecular consequence: missense variant.
Genome position (GRCh38, 1-based): chr8:10,611,944, G>T on the plus strand (C>A on the coding strand, the complement: RP1L1 is on the minus strand). VCF-style: chr8-10611944-G-T. GRCh37 (hg19) VCF-style: chr8-10469454-G-T.
Other names: short protein forms N718K.
Identifiers: ClinVar variation 361358 (VCV000361358.22), dbSNP rs181556707, ClinGen allele CA4624926.